The following is an entry in ClinVar:

ClinVar aggregate classification (germline): Conflicting classifications of pathogenicity. Review status: criteria provided, conflicting classifications (1 of 4 stars). 2 submissions from 2 submitters: Pathogenic (1); Uncertain significance (1). Last evaluated 2026-06-03.

Conditions:
Colorectal cancer, hereditary nonpolyposis, type 7. Identifiers: Orphanet 144, MedGen C1858380, MONDO:0013725, OMIM 614385.

Submissions (2):

Ambry Genetics
Classification: Pathogenic. Last evaluated: 2026-06-03. Review status: criteria provided, single submitter. Criteria: Ambry Variant Classification Scheme 2023. Collection method: clinical testing. Allele origin: germline.
Comment: The c.1544delC pathogenic mutation, located in coding exon 1 of the MLH3 gene, results from a deletion of one nucleotide at nucleotide position 1544, causing a translational frameshift with a predicted alternate stop codon (p.P515Hfs*11). This variant is considered to be rare based on population cohorts in the Genome Aggregation Database (gnomAD). This alteration is expected to result in loss of function by premature protein truncation or nonsense-mediated mRNA decay. As such, this alteration is interpreted as a disease-causing mutation.

Labcorp Genetics (formerly Invitae), Labcorp
Classification: Uncertain significance for Colorectal cancer, hereditary nonpolyposis, type 7. Last evaluated: 2022-08-02. Review status: criteria provided, single submitter. Criteria: Invitae Variant Classification Sherloc (09022015). Collection method: clinical testing. Allele origin: germline.
Comment: In summary, the available evidence is currently insufficient to determine the role of this variant in disease. Therefore, it has been classified as a Variant of Uncertain Significance. This variant has not been reported in the literature in individuals affected with MLH3-related conditions. This variant is not present in population databases (gnomAD no frequency). This sequence change creates a premature translational stop signal (p.Pro515Hisfs*11) in the MLH3 gene. It is expected to result in an absent or disrupted protein product. However, the current clinical and genetic evidence is not sufficient to establish whether loss-of-function variants in MLH3 cause disease.

NM_001040108.2(MLH3):c.1544del (p.Pro515fs)

Gene: MLH3 (mutL homolog 3; minus strand). Cytogenetic location: 14q24.3.
Variant type: Deletion.
Coding change: c.1544del on transcript NM_001040108.2 (MANE Select); coding-DNA position 1544, one base deleted (C; older notation c.1544delC).
Protein change: p.Pro515fs; shifts the reading frame from proline 515.
Molecular consequence: frameshift variant.
Genome position (GRCh38, 1-based): chr14:75,048,112, G deleted on the plus strand (C on the coding strand, the reverse complement: MLH3 is on the minus strand); the first of 2 consecutive G bases (chr14:75,048,112-75,048,113); deleting either gives the same sequence. VCF-style (leftmost placement, unchanged base first): chr14-75048111-TG-T. GRCh37 (hg19) VCF-style: chr14-75514814-TG-T.
Other names: c.1544del, p.Pro515fs (NM_014381.3); c.1544delC (NM_001040108.1); short protein forms P515fs.
Identifiers: ClinVar variation 2073049 (VCV002073049.7), dbSNP rs1483695119, ClinGen allele CA708541641.